The following is an entry in ClinVar:

NM_004448.4(ERBB2):c.1471C>T (p.Gln491Ter)

Gene: ERBB2 (erb-b2 receptor tyrosine kinase 2; plus strand). Cytogenetic location: 17q12.
Variant type: single nucleotide variant.
Coding change: c.1471C>T on transcript NM_004448.4 (MANE Select); coding-DNA position 1471, C replaced by T.
Protein change: p.Gln491Ter; replaces glutamine 491 with a stop codon.
Molecular consequence: nonsense. On other transcripts: non-coding transcript variant (1), intron variant (1).
Genome position (GRCh38, 1-based): chr17:39,715,897, C>T. VCF-style: chr17-39715897-C-T. GRCh37 (hg19) VCF-style: chr17-37872150-C-T.
Other names: c.1471C>T, p.Gln491Ter (NM_001382796.1, NM_001382797.1, NM_001382798.1 and 12 more transcripts); c.1291C>T, p.Gln431Ter (NM_001382799.1); c.1213C>T, p.Gln405Ter (NM_001382802.1); c.643C>T, p.Gln215Ter (NM_001382804.1); c.1381C>T, p.Gln461Ter (NM_001005862.3, NM_001289938.2, NM_001382782.1 and 1 more transcripts); c.1426C>T, p.Gln476Ter (NM_001289936.2); c.1588C>T, p.Gln530Ter (NM_001382784.1, NM_001382786.1); c.1546C>T, p.Gln516Ter (NM_001382787.1); and 3 more; short protein forms Q461*, Q491*, Q476*, Q215*, Q405*, Q431*, Q488*, Q498*.
Identifiers: ClinVar variation 2781975 (VCV002781975.3), dbSNP rs140670446, ClinGen allele CA290430850.
Genomic context (GRCh38, chr17:39,715,897, plus strand): 5'-AACACCCACCTCTGCTTCGTGCACACGGTGCCCTGGGACCAGCTCTTTCGGAACCCGCAC[C>T]AAGCTCTGCTCCACACTGCCAACCGGCCAGAGGACGAGTGTGGTAAGACAGGGAGCCCAG-3'

ClinVar aggregate classification (germline): Uncertain significance (1 of 4 stars; one submission).

Submission:

Labcorp Genetics (formerly Invitae), Labcorp
Classification: Uncertain significance. Last evaluated: 2023-04-24. Review status: criteria provided, single submitter. Criteria: Invitae Variant Classification Sherloc (09022015). Collection method: clinical testing. Allele origin: germline.
Comment: This sequence change creates a premature translational stop signal (p.Gln491*) in the ERBB2 gene. It is expected to result in an absent or disrupted protein product. However, the current clinical and genetic evidence is not sufficient to establish whether loss-of-function variants in ERBB2 cause disease. This variant is not present in population databases (gnomAD no frequency). This variant has not been reported in the literature in individuals affected with ERBB2-related conditions. In summary, the available evidence is currently insufficient to determine the role of this variant in disease. Therefore, it has been classified as a Variant of Uncertain Significance.